The following is an entry in ClinVar:

ClinVar aggregate classification (germline): Likely pathogenic (1 of 4 stars; one submission).

Conditions:
CTCF-related neurodevelopmental disorder. Also called: INTELLECTUAL DEVELOPMENTAL DISORDER, AUTOSOMAL DOMINANT 21; Intellectual disability-feeding difficulties-developmental delay-microcephaly syndrome. Identifiers: Orphanet 363611, MedGen C3809686, MONDO:0014213, OMIM 615502.

Submission:

Kasturba Medical College, Manipal, Kasturba Medical College, Manipal, Manipal Academy of Higher Education, Manipal, India
Classification: Likely pathogenic for CTCF-related neurodevelopmental disorder. Review status: criteria provided, single submitter. Criteria: ACMG Guidelines, 2015. Collection method: research. Allele origin: maternal. Inheritance: Autosomal dominant inheritance. Affected: yes. Observed: 1 variant allele, 1 heterozygote.
Comment: This variant is not observed in the gnomAD (v4.1.0) population database and our in-house database of 4037 individuals. This variant is predicted to cause shift in the reading frame of the transcript which will either lead to nonsense-mediated mRNA decay or formation of a truncated protein product.

NM_006565.4(CTCF):c.672dup (p.Val225fs)

Gene: CTCF (CCCTC-binding factor; plus strand). Cytogenetic location: 16q22.1.
Variant type: Duplication.
Coding change: c.672dup on transcript NM_006565.4 (MANE Select); coding-DNA position 672, one base duplicated (T; older notation c.672dupT).
Protein change: p.Val225fs; shifts the reading frame from valine 225.
Molecular consequence: frameshift variant. On other transcripts: intron variant (1).
Genome position (GRCh38, 1-based): chr16:67,611,504, T duplicated. VCF-style (leftmost placement, unchanged base first): chr16-67611503-C-CT. GRCh37 (hg19) VCF-style: chr16-67645406-C-CT.
Other names: c.672dup, p.Val225fs (NM_001363916.2, NM_001438968.1, NM_001438969.1); c.-32-5241dup (NM_001191022.2); short protein forms V225fs.
Identifiers: ClinVar variation 4820311 (VCV004820311.1).